The following is an entry in ClinVar:

NM_199420.4(POLQ):c.4861A>C (p.Thr1621Pro)

Gene: POLQ (DNA polymerase theta; minus strand). Cytogenetic location: 3q13.33.
Variant type: single nucleotide variant.
Coding change: c.4861A>C on transcript NM_199420.4 (MANE Select); coding-DNA position 4861, A replaced by C.
Protein change: p.Thr1621Pro; replaces threonine 1621 with proline.
Molecular consequence: missense variant.
Genome position (GRCh38, 1-based): chr3:121,488,070, T>G on the plus strand (A>C on the coding strand, the complement: POLQ is on the minus strand). VCF-style: chr3-121488070-T-G. GRCh37 (hg19) VCF-style: chr3-121206917-T-G.
Other names: short protein forms T1621P.
Identifiers: ClinVar variation 3308564 (VCV003308564.1).

ClinVar aggregate classification (germline): Uncertain significance (1 of 4 stars; one submission).

Submission:

Ambry Genetics
Classification: Uncertain significance. Last evaluated: 2024-04-05. Review status: criteria provided, single submitter. Criteria: Ambry Variant Classification Scheme 2023. Collection method: clinical testing. Allele origin: germline.
Comment: The p.T1621P variant (also known as c.4861A>C), located in coding exon 16 of the POLQ gene, results from an A to C substitution at nucleotide position 4861. The threonine at codon 1621 is replaced by proline, an amino acid with highly similar properties. This amino acid position is conserved. In addition, this alteration is predicted to be tolerated by in silico analysis. Based on the available evidence, the clinical significance of this variant remains unclear.